The following is an entry in ClinVar:

NM_078480.3(PUF60):c.24+1874C>T

Gene: PUF60 (poly(U) binding splicing factor 60; minus strand). Cytogenetic location: 8q24.3.
Variant type: single nucleotide variant.
Coding change: c.24+1874C>T on transcript NM_078480.3 (MANE Select); 1874 bases into the intron after coding-DNA position 24, C replaced by T.
Molecular consequence: genic upstream transcript variant. On other transcripts: synonymous variant (3).
Genome position (GRCh38, 1-based): chr8:143,827,406, G>A on the plus strand (C>T on the coding strand, the complement: PUF60 is on the minus strand). VCF-style: chr8-143827406-G-A. GRCh37 (hg19) VCF-style: chr8-144909576-G-A.
Other names: c.114C>T, p.Ala38= (NM_001362895.2, NM_001362896.2, NM_001362897.2); c.24+1874C>T (NM_001271097.2, NM_001271099.2, NM_001271096.2 and 2 more transcripts); c.-106+1578C>T (NM_001271100.2, NM_001136033.3).
Identifiers: ClinVar variation 3057914 (VCV003057914.2), dbSNP rs114477188, ClinGen allele CA187595447.

ClinVar aggregate classification (germline): Likely benign (0 of 4 stars; one submission).

Conditions:
PUF60-related disorder. Also called: PUF60-related condition.

Allele frequency attached by ClinVar (database versions not stated): gnomAD exomes 0.00007; gnomAD 0.00062; TOPMed 0.00071; 1000 Genomes Project 0.00080; 1000 Genomes Project 30x 0.00047.
gnomAD v4.1: 115 of 456,260 alleles (0.025%); highest among the groups gnomAD compares: African/African-American, 0.22%; no homozygotes.

Submission:

PreventionGenetics, part of Exact Sciences
Classification: Likely benign for PUF60-related condition. Last evaluated: 2023-04-08. Review status: no assertion criteria provided. Collection method: clinical testing. Allele origin: germline.
Comment: This variant is classified as likely benign based on ACMG/AMP sequence variant interpretation guidelines (Richards et al. 2015 PMID: 25741868, with internal and published modifications).